The following is an entry in ClinVar:

NM_000218.3(KCNQ1):c.628A>G (p.Met210Val)

Gene: KCNQ1 (potassium voltage-gated channel subfamily Q member 1; plus strand). Cytogenetic location: 11p15.5.
Variant type: single nucleotide variant.
Coding change: c.628A>G on transcript NM_000218.3 (MANE Select); coding-DNA position 628, A replaced by G.
Protein change: p.Met210Val; replaces methionine 210 with valine.
Molecular consequence: missense variant.
Genome position (GRCh38, 1-based): chr11:2,571,348, A>G. VCF-style: chr11-2571348-A-G. GRCh37 (hg19) VCF-style: chr11-2592578-A-G.
Other names: c.628A>G, p.Met210Val (NM_001406836.1); c.358A>G, p.Met120Val (NM_001406837.1); c.247A>G, p.Met83Val (NM_181798.2); short protein forms M210V, M83V, M120V.
Identifiers: ClinVar variation 922727 (VCV000922727.6), dbSNP rs1848330783, ClinGen allele CA379130454.

ClinVar aggregate classification (germline): Uncertain significance (1 of 4 stars; one submission).

Conditions:
Cardiac arrhythmia. Also called: Cardiac rhythm disease; Arrhythmia. Identifiers: MedGen C0003811, MONDO:0007263, HP:0011675.

Submission:

Color Diagnostics, LLC DBA Color Health
Classification: Uncertain significance for Cardiac arrhythmia. Last evaluated: 2020-01-08. Review status: criteria provided, single submitter. Criteria: ACMG Guidelines, 2015. Collection method: clinical testing. Allele origin: germline.
Comment: This missense variant replaces methionine with valine at codon 210 of the KCNQ1 protein. Computational prediction suggests that this variant may not impact protein structure and function (internally defined REVEL score threshold <= 0.5, PMID: 27666373). Splice site prediction tools suggest that this variant may not impact RNA splicing. To our knowledge, functional studies have not been performed for this variant. This variant has not been reported in individuals affected with cardiovascular disorders in the literature. This variant has not been identified in the general population by the Genome Aggregation Database (gnomAD). The available evidence is insufficient to determine the role of this variant in disease conclusively. Therefore, this variant is classified as a Variant of Uncertain Significance.